The following is an entry in ClinVar:

ClinVar aggregate classification (germline): Uncertain significance (1 of 4 stars; one submission).

Conditions:
Autoimmune lymphoproliferative syndrome type 2A (ALPS2A). Also called: CASP10-Related Autoimmune Lymphoproliferative Syndrome; AUTOIMMUNE LYMPHOPROLIFERATIVE SYNDROME, TYPE IIA; Autoimmune lymphoproliferative syndrome type 2. Identifiers: Orphanet 3261, MedGen C1858968, MONDO:0011383, OMIM 603909.

gnomAD v4.1: 2 of 1,613,826 alleles (0.00012%); highest among the groups gnomAD compares: Non-Finnish European, 0.000085%; no homozygotes.

Submission:

Labcorp Genetics (formerly Invitae), Labcorp
Classification: Uncertain significance for Autoimmune lymphoproliferative syndrome type 2A. Last evaluated: 2025-05-11. Review status: criteria provided, single submitter. Criteria: Invitae Variant Classification Sherloc (09022015). Collection method: clinical testing. Allele origin: germline.
Comment: This sequence change replaces aspartic acid, which is acidic and polar, with glycine, which is neutral and non-polar, at codon 219 of the CASP10 protein (p.Asp219Gly). The frequency data for this variant in the population databases is considered unreliable, as metrics indicate poor data quality at this position in the gnomAD database. This variant has not been reported in the literature in individuals affected with CASP10-related conditions. An algorithm developed to predict the effect of missense changes on protein structure and function outputs the following: PolyPhen-2: "Benign". The glycine amino acid residue is found in multiple mammalian species, which suggests that this missense change does not adversely affect protein function. In summary, the available evidence is currently insufficient to determine the role of this variant in disease. Therefore, it has been classified as a Variant of Uncertain Significance.

NM_032977.4(CASP10):c.656A>G (p.Asp219Gly)

Gene: CASP10 (caspase 10; plus strand). Cytogenetic location: 2q33.1.
Variant type: single nucleotide variant.
Coding change: c.656A>G on transcript NM_032977.4 (MANE Select); coding-DNA position 656, A replaced by G.
Protein change: p.Asp219Gly; replaces aspartic acid 219 with glycine.
Molecular consequence: missense variant.
Genome position (GRCh38, 1-based): chr2:201,195,920, A>G. VCF-style: chr2-201195920-A-G. GRCh37 (hg19) VCF-style: chr2-202060643-A-G.
Other names: c.656A>G, p.Asp219Gly (NM_001206524.2, NM_001206542.2, NM_001230.5 and 3 more transcripts); short protein forms D219G.
Identifiers: ClinVar variation 4787462 (VCV004787462.1).
Genomic context (GRCh38, chr2:201,195,920, plus strand): 5'-CTCCTGTAGACAAGGAAGCCGAGTCGTATCAAGGAGAGGAAGAACTAGTTTCCCAAACAG[A>G]TGTTAAGACATTCTTGGAAGCCTTACCGGTAGGTTCAGTGGTGTGCTGGTCAATGCTTAA-3'
Protein context (NP_116759.2, residues 209-229): QGEEELVSQT[Asp219Gly]VKTFLEALPQ